The following is an entry in ClinVar:

NM_001754.5(RUNX1):c.*3977G>A

Gene: RUNX1 (RUNX family transcription factor 1; minus strand). Cytogenetic location: 21q22.12.
Variant type: single nucleotide variant.
Coding change: c.*3977G>A on transcript NM_001754.5 (MANE Select); 3977 bases downstream of the stop codon, G replaced by A.
Molecular consequence: 3 prime UTR variant.
Genome position (GRCh38, 1-based): chr21:34,788,158, C>T on the plus strand (G>A on the coding strand, the complement: RUNX1 is on the minus strand). VCF-style: chr21-34788158-C-T. GRCh37 (hg19) VCF-style: chr21-36160455-C-T.
Other names: c.*3977G>A (NM_001754.4, NM_001001890.3).
Identifiers: ClinVar variation 339799 (VCV000339799.6), dbSNP rs189557277, ClinGen allele CA10650402.

ClinVar aggregate classification (germline): Benign (3 of 4 stars; one submission).

Conditions:
Hereditary thrombocytopenia and hematologic cancer predisposition syndrome. Identifiers: Orphanet 71290, MedGen CN281654, MONDO:0011071.

Allele frequency attached by ClinVar (database versions not stated): gnomAD 0.00011 and 0.00016; TOPMed 0.00012; gnomAD exomes 0.00035; 1000 Genomes Project 0.00060; 1000 Genomes Project 30x 0.00062.
gnomAD v4.1: 53 of 233,436 alleles (0.023%); highest among the groups gnomAD compares: East Asian, 0.28%; no homozygotes.

Submission:

ClinGen Myeloid Malignancy Variant Curation Expert Panel
Classification: Benign for Hereditary thrombocytopenia and hematologic cancer predisposition syndrome. Last evaluated: 2020-05-13. Review status: reviewed by expert panel. Criteria: ClinGen MyeloMalig ACMG Specifications v1. Collection method: curation. Allele origin: germline. Inheritance: Autosomal dominant inheritance.
Comment: The c.*3977G>A variant in the 3' UTR has an MAF of 0.003831 (0.38%, 12/3132 alleles) in the East Asian subpopulation of the gnomAD v3 cohort and is >= 0.0015 (0.15%) (BA1). In summary, this variant meets criteria to be classified as benign. ACMG/AMP criteria applied, as specified by the Myeloid Malignancy Variant Curation Expert Panel for RUNX1: BA1.